The following is an entry in ClinVar:

NM_018941.4(CLN8):c.382T>C (p.Phe128Leu)

Gene: CLN8 (CLN8 transmembrane ER and ERGIC protein; plus strand). Cytogenetic location: 8p23.3.
Variant type: single nucleotide variant.
Coding change: c.382T>C on transcript NM_018941.4 (MANE Select); coding-DNA position 382, T replaced by C.
Protein change: p.Phe128Leu; replaces phenylalanine 128 with leucine.
Molecular consequence: missense variant.
Genome position (GRCh38, 1-based): chr8:1,771,436, T>C. VCF-style: chr8-1771436-T-C. GRCh37 (hg19) VCF-style: chr8-1719602-T-C.
Other names: short protein forms F128L.
Identifiers: ClinVar variation 991260 (VCV000991260.2), dbSNP rs1801301214, ClinGen allele CA369953449.

ClinVar aggregate classification (germline): Uncertain significance. Review status: criteria provided, single submitter (1 of 4 stars). 2 submissions from 2 submitters: Uncertain significance (1). 1 of the submissions does not count toward it. Last evaluated 2020-05-11.

Conditions:
Neuronal ceroid lipofuscinosis. Also called: Neuronal Ceroid Lipofuscinoses. Identifiers: Orphanet 216, Orphanet 79263, MedGen C0027877, MONDO:0016295. Disease mechanism: loss of function.
Neuronal ceroid lipofuscinosis 8 (CLN8). Also called: CLN8-Related Neuronal Ceroid-Lipofuscinosis. Identifiers: Orphanet 168491, Orphanet 228354, Orphanet 79264, MedGen C1838570, MONDO:0010830, OMIM 600143.

Submissions (2):

Labcorp Genetics (formerly Invitae), Labcorp
Classification: Uncertain significance for Neuronal ceroid lipofuscinosis. Last evaluated: 2020-05-11. Review status: criteria provided, single submitter. Criteria: Invitae Variant Classification Sherloc (09022015). Collection method: clinical testing. Allele origin: germline.
Comment: This sequence change replaces phenylalanine with leucine at codon 128 of the CLN8 protein (p.Phe128Leu). The phenylalanine residue is highly conserved and there is a small physicochemical difference between phenylalanine and leucine. This variant is not present in population databases (ExAC no frequency). This variant has not been reported in the literature in individuals with CLN8-related conditions. Algorithms developed to predict the effect of missense changes on protein structure and function are either unavailable or do not agree on the potential impact of this missense change (SIFT: Deleterious; PolyPhen-2: Probably Damaging; Align-GVGD: Class C0). In summary, the available evidence is currently insufficient to determine the role of this variant in disease. Therefore, it has been classified as a Variant of Uncertain Significance.

Natera, Inc.
Classification: Uncertain significance for Neuronal ceroid lipofuscinosis 8. Last evaluated: 2020-09-04. Review status: no assertion criteria provided. Collection method: clinical testing. Allele origin: germline. Not counted in ClinVar's aggregate classification.